The following is an entry in ClinVar:

NM_001323289.2(CDKL5):c.884del (p.Pro295fs)

Gene: CDKL5 (cyclin dependent kinase like 5; plus strand). Cytogenetic location: Xp22.13.
Variant type: Deletion.
Coding change: c.884del on transcript NM_001323289.2 (MANE Select); coding-DNA position 884, one base deleted (C; older notation c.884delC).
Protein change: p.Pro295fs; shifts the reading frame from proline 295.
Molecular consequence: frameshift variant.
Genome position (GRCh38, 1-based): chrX:18,598,520, C deleted; the last of 3 consecutive C bases (chrX:18,598,518-18,598,520); deleting any one gives the same sequence. VCF-style (leftmost placement, unchanged base first): chrX-18598517-AC-A. GRCh37 (hg19) VCF-style: chrX-18616637-AC-A.
Other names: NM_001323289.2(CDKL5):c.884del; p.Pro295fs; c.884del, p.Pro295fs (NM_001037343.2, NM_003159.3); c.884delC (NM_003159.2); short protein forms P295fs.
Identifiers: ClinVar variation 143837 (VCV000143837.4), dbSNP rs267608542, ClinGen allele CA170507.
Genomic context (GRCh38, chrX:18,598,517, plus strand): 5'-CTAAGAATTTACTGAAGTTGGACCCAGCTGACAGATACTTGACAGAACAGTGTTTGAATC[AC>A]CCTACATTTCAAACCCAGAGACTTCTGGATCGTTCTCCTTCAAGGTCAGCAAAAAGAAAA-3'

ClinVar aggregate classification (germline): Likely pathogenic. Review status: criteria provided, single submitter (1 of 4 stars). 2 submissions from 2 submitters: Likely pathogenic (1). 1 of the submissions does not count toward it. Last evaluated 2024-09-09.

Conditions:
CDKL5 disorder. Identifiers: MedGen CN296942, MONDO:0100039.
Developmental and epileptic encephalopathy, 2 (DEE2). Also called: INFANTILE SPASM SYNDROME, X-LINKED 2; CDKL5 deficiency disorder. Identifiers: Orphanet 1934, Orphanet 3451, Orphanet 505652, MedGen C4750718, MONDO:0010396, OMIM 300672.

Submissions (2):

Centre for Population Genomics, CPG
Classification: Likely pathogenic for CDKL5 disorder. Last evaluated: 2024-09-09. Review status: criteria provided, single submitter. Criteria: McKnight et al. (Hum Mutat. 2022). Collection method: curation. Allele origin: germline. Inheritance: X-linked inheritance.
Comment: This variant has been collected from RettBASE and curated to current modified ACMG/AMP criteria. Based on the classification scheme defined by the ClinGen Rett/Angelman-like Expert Panel for Rett/AS-like Disorders Specifications to the ACMG/AMP Variant Interpretation Guidelines VCEP 3.0, this variant is classified as likely pathogenic. At least the following criteria are met: Predicted to result in loss of function, and LOF is a known mechanism of disease (PVS1). This variant is absent from gnomAD (PM2_Supporting). Has been observed in at least 1 individual with phenotypes consistent with CDKL5 disorder (PMID: 21318334).

RettBASE
Classification: Pathogenic for Epileptic encephalopathy, early infantile, 2. Last evaluated: 2014-03-13. Review status: no assertion criteria provided. Collection method: curation. Allele origin: unknown. Affected: yes. Observed: 1 variant allele. Not counted in ClinVar's aggregate classification.

Literature cited by the submitters: PubMed 21318334 (cited by RettBASE).